The following is an entry in ClinVar:

ClinVar aggregate classification (germline): Uncertain significance. Review status: criteria provided, multiple submitters, no conflicts (2 of 4 stars). 2 submissions from 2 submitters: Uncertain significance (2). Last evaluated 2024-10-09.

Conditions:
ALG11-congenital disorder of glycosylation. Also called: CONGENITAL DISORDER OF GLYCOSYLATION, TYPE Ip; ALG11-CDG. Identifiers: Orphanet 280071, MedGen C3150913, MONDO:0013349, OMIM 613661.
Inborn genetic diseases. Identifiers: MedGen C0950123, MeSH D030342.

Allele frequency attached by ClinVar (database versions not stated): TOPMed 0.00002; gnomAD 0.00004; gnomAD exomes 0.00005; ExAC 0.00012; 1000 Genomes Project 30x 0.00016; 1000 Genomes Project 0.00020.
gnomAD v4.1: 71 of 1,614,002 alleles (0.0044%); highest among the groups gnomAD compares: South Asian, 0.06%; no homozygotes.

Submissions (2):

Ambry Genetics
Classification: Uncertain significance for Inborn genetic diseases. Last evaluated: 2024-10-09. Review status: criteria provided, single submitter. Criteria: Ambry Variant Classification Scheme 2023. Collection method: clinical testing. Allele origin: germline.

Neuberg Centre For Genomic Medicine, NCGM
Classification: Uncertain significance for ALG11-congenital disorder of glycosylation. Review status: criteria provided, single submitter. Criteria: ACMG Guidelines, 2015. Collection method: clinical testing. Allele origin: germline. Inheritance: Autosomal recessive inheritance. Affected: yes.
Comment: The missense variant in c.932C>T (p.Pro311Leu) in ALG11 gene has not been reported previously as a pathogenic variant nor as a benign variant, to our knowledge. The p.Pro311Leu variant is reported with the allele frequency of 0.007788% in gnomAD database and is novel (not in any individuals) in 1000 Genomes. The amino acid Pro at position 311 is changed to a Leu changing protein sequence and it might alter its composition and physico-chemical properties. The variant is predicted to be damaging by both SIFT and PolyPhen2. The residue is conserved across species. The amino acid change p.Pro311Leu in ALG11 is predicted as conserved by GERP++ and PhyloP across 100 vertebrates. Another missense variant E312G has been reported in compound heterozygous form as disease causing. For these reasons, this variant has been classified as Uncertain Significance.

NM_001004127.3(ALG11):c.932C>T (p.Pro311Leu)

Gene: ALG11 (ALG11 alpha-1,2-mannosyltransferase; plus strand). Cytogenetic location: 13q14.3.
Variant type: single nucleotide variant.
Coding change: c.932C>T on transcript NM_001004127.3 (MANE Select); coding-DNA position 932, C replaced by T.
Protein change: p.Pro311Leu; replaces proline 311 with leucine.
Molecular consequence: missense variant.
Genome position (GRCh38, 1-based): chr13:52,024,662, C>T. VCF-style: chr13-52024662-C-T. GRCh37 (hg19) VCF-style: chr13-52598798-C-T.
Other names: c.932C>T (NM_001004127.2); short protein forms P311L.
Identifiers: ClinVar variation 2585431 (VCV002585431.2), dbSNP rs540927215, ClinGen allele CA6989990.